The following is an entry in ClinVar:

NM_198428.3(BBS9):c.831T>G (p.Ile277Met)

Gene: BBS9 (Bardet-Biedl syndrome 9; plus strand). Cytogenetic location: 7p14.3.
Variant type: single nucleotide variant.
Coding change: c.831T>G on transcript NM_198428.3 (MANE Select); coding-DNA position 831, T replaced by G.
Protein change: p.Ile277Met; replaces isoleucine 277 with methionine.
Molecular consequence: missense variant. On other transcripts: non-coding transcript variant (3).
Genome position (GRCh38, 1-based): chr7:33,273,140, T>G. VCF-style: chr7-33273140-T-G. GRCh37 (hg19) VCF-style: chr7-33312752-T-G.
Other names: c.831T>G, p.Ile277Met (NM_001033604.2, NM_001033605.2, NM_001348036.1 and 5 more transcripts); c.465T>G, p.Ile155Met (NM_001348037.3, NM_001348044.3, NM_001348045.3 and 1 more transcripts); c.558T>G, p.Ile186Met (NM_001348038.3, NM_001348039.3); c.696T>G, p.Ile232Met (NM_001348042.3); short protein forms I155M, I186M, I232M, I277M.
Identifiers: ClinVar variation 1026666 (VCV001026666.8), dbSNP rs1800123284, ClinGen allele CA367254507.

ClinVar aggregate classification (germline): Uncertain significance (1 of 4 stars; one submission).

Conditions:
Bardet-Biedl syndrome (BBS). Identifiers: Orphanet 110, MedGen C0752166, MONDO:0015229.

Submission:

Labcorp Genetics (formerly Invitae), Labcorp
Classification: Uncertain significance for Bardet-Biedl syndrome. Last evaluated: 2020-01-30. Review status: criteria provided, single submitter. Criteria: Invitae Variant Classification Sherloc (09022015). Collection method: clinical testing. Allele origin: germline.
Comment: In summary, the available evidence is currently insufficient to determine the role of this variant in disease. Therefore, it has been classified as a Variant of Uncertain Significance. Algorithms developed to predict the effect of missense changes on protein structure and function are either unavailable or do not agree on the potential impact of this missense change (SIFT: "Deleterious"; PolyPhen-2: "Probably Damaging"; Align-GVGD: "Class C0"). This variant has not been reported in the literature in individuals with BBS9-related conditions. This variant is not present in population databases (ExAC no frequency). This sequence change replaces isoleucine with methionine at codon 277 of the BBS9 protein (p.Ile277Met). The isoleucine residue is highly conserved and there is a small physicochemical difference between isoleucine and methionine.